The following is an entry in ClinVar:

NM_000135.4(FANCA):c.523-3C>T

Gene: FANCA (FA complementation group A; minus strand). Cytogenetic location: 16q24.3.
Variant type: single nucleotide variant.
Coding change: c.523-3C>T on transcript NM_000135.4 (MANE Select); 3 bases into the intron before coding-DNA position 523, C replaced by T.
Molecular consequence: intron variant.
Genome position (GRCh38, 1-based): chr16:89,808,370, G>A on the plus strand (C>T on the coding strand, the complement: FANCA is on the minus strand). VCF-style: chr16-89808370-G-A. GRCh37 (hg19) VCF-style: chr16-89874778-G-A.
Other names: c.523-3C>T (NM_001286167.3, NM_001018112.3); c.427-3C>T (NM_001351830.2).
Identifiers: ClinVar variation 4994944 (VCV004994944.1).

ClinVar aggregate classification (germline): Likely benign (1 of 4 stars; one submission).

Conditions:
FANCA-related disorder. Also called: FANCA-related condition.

gnomAD v4.1: 7 of 1,613,724 alleles (0.00043%); highest among the groups gnomAD compares: East Asian, 0.0022%; no homozygotes.

Submission:

PreventionGenetics, part of Exact Sciences
Classification: Likely benign for FANCA-related condition. Last evaluated: 2026-06-07. Review status: criteria provided, single submitter. Criteria: ACMG Guidelines, 2015. Collection method: clinical testing. Allele origin: germline.
Comment: This variant is classified as likely benign based on ACMG/AMP sequence variant interpretation guidelines (Richards et al. 2015 PMID: 25741868, with internal and published modifications).